The following is an entry in ClinVar:

ClinVar aggregate classification (germline): Benign (1 of 4 stars; one submission).

Allele frequency attached by ClinVar (database versions not stated): 1000 Genomes Project 0.00659; 1000 Genomes Project 30x 0.00781; ExAC 0.01471; TOPMed 0.01476; gnomAD 0.01526; gnomAD exomes 0.01739.
gnomAD v4.1: 25,591 of 1,494,390 alleles (1.7%); highest among the groups gnomAD compares: Non-Finnish European, 2%; 268 homozygotes.

Submission:

CeGaT Center for Human Genetics Tuebingen
Classification: Benign. Last evaluated: 2026-09-01. Review status: criteria provided, single submitter. Criteria: CeGaT Center For Human Genetics Tuebingen Variant Classification Criteria Version 2. Collection method: clinical testing. Allele origin: germline. Affected: yes. Observed: 82 variant alleles.
Comment: SETD1B: BS1, BS2

NM_001353345.2(SETD1B):c.4462G>A (p.Ala1488Thr)

Gene: SETD1B (SET domain containing 1B, histone lysine methyltransferase; plus strand). Cytogenetic location: 12q24.31.
Variant type: single nucleotide variant.
Coding change: c.4462G>A on transcript NM_001353345.2 (MANE Select); coding-DNA position 4462, G replaced by A.
Protein change: p.Ala1488Thr; replaces alanine 1488 with threonine.
Molecular consequence: missense variant.
Genome position (GRCh38, 1-based): chr12:121,823,041, G>A. VCF-style: chr12-121823041-G-A. GRCh37 (hg19) VCF-style: chr12-122260947-G-A.
Other names: short protein forms A1488T.
Identifiers: ClinVar variation 2578694 (VCV002578694.25), dbSNP rs144871159, ClinGen allele CA6839184.